The following is an entry in ClinVar:

NM_005097.4(LGI1):c.1096G>A (p.Gly366Arg)

Gene: LGI1 (leucine rich glioma inactivated 1; plus strand). Cytogenetic location: 10q23.33.
Variant type: single nucleotide variant.
Coding change: c.1096G>A on transcript NM_005097.4 (MANE Select); coding-DNA position 1096, G replaced by A.
Protein change: p.Gly366Arg; replaces glycine 366 with arginine.
Molecular consequence: missense variant. On other transcripts: non-coding transcript variant (1), intron variant (1).
Genome position (GRCh38, 1-based): chr10:93,797,225, G>A. VCF-style: chr10-93797225-G-A. GRCh37 (hg19) VCF-style: chr10-95556982-G-A.
Other names: c.952G>A, p.Gly318Arg (NM_001308276.2); c.839-524G>A (NM_001308275.2); c.1096G>A (NM_005097.2); short protein forms G366R, G318R.
Identifiers: ClinVar variation 1477960 (VCV001477960.7), dbSNP rs1394822961, ClinGen allele CA377627651.

ClinVar aggregate classification (germline): Uncertain significance. Review status: criteria provided, multiple submitters, no conflicts (2 of 4 stars). 2 submissions from 2 submitters: Uncertain significance (2). Last evaluated 2024-05-25.

Conditions:
Autosomal dominant epilepsy with auditory features. Identifiers: Orphanet 101046, MedGen C1838062, MONDO:0010898.

Allele frequency attached by ClinVar (database versions not stated): gnomAD 0.00001; gnomAD exomes 0.00001; TOPMed 0.00001.
gnomAD v4.1: 13 of 1,614,050 alleles (0.00081%); highest among the groups gnomAD compares: Non-Finnish European, 0.001%; no homozygotes.

Submissions (2):

GeneDx
Classification: Uncertain significance. Last evaluated: 2024-05-25. Review status: criteria provided, single submitter. Criteria: GeneDx Variant Classification Process June 2021. Collection method: clinical testing. Allele origin: germline. Affected: yes.
Comment: Reported in an individual with intellectual disability, seizures, generalized hypotonia, abnormal facial shape, and short stature in published literature who had a variant in another gene that could contributing to the phenotype (PMID: 28771251); Not observed at significant frequency in large population cohorts (gnomAD); In silico analysis supports that this missense variant has a deleterious effect on protein structure/function; This variant is associated with the following publications: (PMID: 28771251)

Labcorp Genetics (formerly Invitae), Labcorp
Classification: Uncertain significance for Autosomal dominant epilepsy with auditory features. Last evaluated: 2024-02-24. Review status: criteria provided, single submitter. Criteria: Invitae Variant Classification Sherloc (09022015). Collection method: clinical testing. Allele origin: germline.
Comment: This sequence change replaces glycine, which is neutral and non-polar, with arginine, which is basic and polar, at codon 366 of the LGI1 protein (p.Gly366Arg). This variant is not present in population databases (gnomAD no frequency). This variant has not been reported in the literature in individuals affected with LGI1-related conditions. ClinVar contains an entry for this variant (Variation ID: 1477960). Advanced modeling of protein sequence and biophysical properties (such as structural, functional, and spatial information, amino acid conservation, physicochemical variation, residue mobility, and thermodynamic stability) performed at Invitae indicates that this missense variant is not expected to disrupt LGI1 protein function with a negative predictive value of 80%. In summary, the available evidence is currently insufficient to determine the role of this variant in disease. Therefore, it has been classified as a Variant of Uncertain Significance.